The following is an entry in ClinVar:

ClinVar aggregate classification (germline): Uncertain significance (1 of 4 stars; one submission).

Conditions:
Granulomatous disease, chronic, X-linked. Also called: CYTOCHROME b-NEGATIVE GRANULOMATOUS DISEASE, CHRONIC, X-LINKED; GRANULOMATOUS DISEASE, CHRONIC, X-LINKED, SOMATIC MOSAIC. Identifiers: Orphanet 379, MedGen C1844376, MONDO:0010600, OMIM 306400.

Submission:

Labcorp Genetics (formerly Invitae), Labcorp
Classification: Uncertain significance for Granulomatous disease, chronic, X-linked. Last evaluated: 2022-03-20. Review status: criteria provided, single submitter. Criteria: Invitae Variant Classification Sherloc (09022015). Collection method: clinical testing. Allele origin: germline.
Comment: This sequence change replaces alanine, which is neutral and non-polar, with serine, which is neutral and polar, at codon 263 of the CYBB protein (p.Ala263Ser). This variant is not present in population databases (gnomAD no frequency). This variant has not been reported in the literature in individuals affected with CYBB-related conditions. Advanced modeling of protein sequence and biophysical properties (such as structural, functional, and spatial information, amino acid conservation, physicochemical variation, residue mobility, and thermodynamic stability) performed at Invitae indicates that this missense variant is not expected to disrupt CYBB protein function. In summary, the available evidence is currently insufficient to determine the role of this variant in disease. Therefore, it has been classified as a Variant of Uncertain Significance.

NM_000397.4(CYBB):c.787G>T (p.Ala263Ser)

Gene: CYBB (cytochrome b-245 beta chain; plus strand). Cytogenetic location: Xp21.1.
Variant type: single nucleotide variant.
Coding change: c.787G>T on transcript NM_000397.4 (MANE Select); coding-DNA position 787, G replaced by T.
Protein change: p.Ala263Ser; replaces alanine 263 with serine.
Molecular consequence: missense variant.
Genome position (GRCh38, 1-based): chrX:37,799,067, G>T. VCF-style: chrX-37799067-G-T. GRCh37 (hg19) VCF-style: chrX-37658320-G-T.
Other names: short protein forms A263S.
Identifiers: ClinVar variation 1968268 (VCV001968268.5), dbSNP rs2519204651, ClinGen allele CA412976721.
Genomic context (GRCh38, chrX:37,799,067, plus strand): 5'-GTTTGTGAACAAAAAATCTCAGAATGGGGAAAAATAAAGGAATGCCCAATCCCTCAGTTT[G>T]CTGGAAACCCTCCTATGGTATGTACAATTCATTGTTGTTATTACAGTTTCATTACTGACA-3'
Protein context (NP_000388.2, residues 253-273): KIKECPIPQF[Ala263Ser]GNPPMTWKWI